The following is an entry in ClinVar:

NM_001005373.4(LRSAM1):c.904-4del

Gene: LRSAM1 (leucine rich repeat and sterile alpha motif containing 1; plus strand). Cytogenetic location: 9q33.3.
Variant type: Deletion.
Coding change: c.904-4del on transcript NM_001005373.4 (MANE Select); 4 bases into the intron before coding-DNA position 904, one base deleted (G; older notation c.904-4delG).
Molecular consequence: intron variant.
Genome position (GRCh38, 1-based): chr9:127,479,835, G deleted. VCF-style (leftmost placement, unchanged base first): chr9-127479834-TG-T. GRCh37 (hg19) VCF-style: chr9-130242113-TG-T.
Other names: c.904-4delG (NM_138361.5); c.904-4del (NM_138361.5, NM_001384142.1, NM_001384143.1 and 2 more transcripts); c.115-4del (NM_001384144.1).
Identifiers: ClinVar variation 432408 (VCV000432408.38), dbSNP rs757987823, ClinGen allele CA5246759.
Genomic context (GRCh38, chr9:127,479,834, plus strand): 5'-AGTCAGTACCCCTCACGGCGTCTGAGGGGGTCCCAGGGGCTCAGGACCCCTACCTCCGGC[TG>T]CAGGAGCAGTCCCGGCTGGAGCAGGGCCTGAGTGAGCACCAGCGCCACCTCAACGCAGAG-3'

ClinVar aggregate classification (germline): Conflicting classifications of pathogenicity. Review status: criteria provided, conflicting classifications (1 of 4 stars). 6 submissions from 6 submitters: Uncertain significance (5); Likely benign (1). Last evaluated 2024-02-17.

Conditions:
Inborn genetic diseases. Identifiers: MedGen C0950123, MeSH D030342.
Charcot-Marie-Tooth disease axonal type 2P. Also called: Charcot-Marie-Tooth Neuropathy Type 2G; CHARCOT-MARIE-TOOTH DISEASE, AXONAL, TYPE 2G; CMT 2G; CHARCOT-MARIE-TOOTH NEUROPATHY, TYPE 2P. Identifiers: Orphanet 300319, Orphanet 99941, MedGen C3280797, MONDO:0013753, OMIM 614436.
Charcot-Marie-Tooth disease. Also called: Charcot-Marie-Tooth Neuropathy; Charcot-Marie-Tooth Hereditary Neuropathy. Identifiers: Orphanet 166, MedGen C0007959, MONDO:0015626.

Allele frequency attached by ClinVar (database versions not stated): gnomAD exomes 0.00001 and 0.00002; gnomAD 0.00002; TOPMed 0.00002; ExAC 0.00003.

Submissions (6):

Labcorp Genetics (formerly Invitae), Labcorp
Classification: Likely benign for Charcot-Marie-Tooth disease axonal type 2P. Last evaluated: 2024-02-17. Review status: criteria provided, single submitter. Criteria: Invitae Variant Classification Sherloc (09022015). Collection method: clinical testing. Allele origin: germline.

CeGaT Center for Human Genetics Tuebingen
Classification: Uncertain significance. Last evaluated: 2023-06-01. Review status: criteria provided, single submitter. Criteria: CeGaT Center For Human Genetics Tuebingen Variant Classification Criteria Version 2. Collection method: clinical testing. Allele origin: germline. Affected: yes. Observed: 1 variant allele.
Comment: LRSAM1: PM2, BP4

ARUP Laboratories, Molecular Genetics and Genomics, ARUP Laboratories
Classification: Uncertain significance for Charcot-Marie-Tooth disease axonal type 2P. Last evaluated: 2023-02-17. Review status: criteria provided, single submitter. Criteria: ARUP Molecular Germline Variant Investigation Process 2024. Collection method: clinical testing. Allele origin: germline.
Comment: The LRSAM1 c.904-4del variant (rs757987823) is reported in the literature in an individual in a Charcot-Marie-Tooth disease cohort, but without clear disease association (Volodarsky 2021). This variant is also reported in ClinVar (Variation ID: 432408), and is found in the non-Finnish European population with an allele frequency of 0.0044% (5/112554 alleles) in the Genome Aggregation Database. This is an intronic variant that deletes a single nucleotide, and computational analyses (Alamut Visual Plus v.1.5.1) predict that this variant may impact splicing by weakening the nearby canonical acceptor splice site. However, without functional studies the effect on splicing is unknown. Due to limited information, the clinical significance of this variant is uncertain at this time. References: Volodarsky M et al. Comprehensive genetic sequence and copy number analysis for Charcot-Marie-Tooth disease in a Canadian cohort of 2517 patients. J Med Genet. 2021 Apr;58(4):284-288. PMID: 32376792.

Ambry Genetics
Classification: Uncertain significance for Inborn genetic diseases. Last evaluated: 2021-04-12. Review status: criteria provided, single submitter. Criteria: Ambry Variant Classification Scheme 2023. Collection method: clinical testing. Allele origin: germline.
Comment: The c.904-4delG intronic variant, located in intron 11 of the LRSAM1 gene, results from a deletion of one nucleotide within intron 11 of the LRSAM1 gene. This nucleotide position is not well conserved in available vertebrate species. In silico splice site analysis predicts that this alteration will not have any significant effect on splicing. Since supporting evidence is limited at this time, the clinical significance of this alteration remains unclear.

GeneDx
Classification: Uncertain significance. Last evaluated: 2019-06-26. Review status: criteria provided, single submitter. Criteria: GeneDx Variant Classification Process June 2021. Collection method: clinical testing. Allele origin: germline. Affected: yes.
Comment: In silico analysis, which includes splice predictors and evolutionary conservation, supports a deleterious effect; Located in a region that tolerates variation and lacks pathogenic variants

Molecular Genetics Laboratory, London Health Sciences Centre
Classification: Uncertain significance for Charcot-Marie-Tooth disease. Review status: criteria provided, single submitter. Criteria: ACMG Guidelines, 2015. Collection method: clinical testing. Allele origin: germline. Affected: yes.